The following is an entry in ClinVar:

ClinVar aggregate classification (germline): Uncertain significance. Review status: criteria provided, multiple submitters, no conflicts (2 of 4 stars). 2 submissions from 2 submitters: Uncertain significance (2). Last evaluated 2026-04-01.

Conditions:
Neurofibromatosis, type 1 (NF1). Also called: VON RECKLINGHAUSEN DISEASE; NEUROFIBROMATOSIS, TYPE I, SOMATIC; Peripheral type neurofibromatosis; Neurofibromatosis, type I. Identifiers: Orphanet 636, MedGen C0027831, MONDO:0018975, OMIM 162200. Disease mechanism: loss of function.
Cardiovascular phenotype. Identifiers: MedGen CN230736.
Hereditary cancer-predisposing syndrome. Also called: Hereditary neoplastic syndrome; Tumor predisposition; Hereditary Cancer Syndrome; Neoplastic Syndromes, Hereditary. Identifiers: Orphanet 140162, MedGen C0027672, MeSH D009386, MONDO:0015356.

Submissions (2):

Ambry Genetics
Classification: Uncertain significance for Cardiovascular phenotype; Hereditary cancer-predisposing syndrome. Last evaluated: 2026-04-01. Review status: criteria provided, single submitter. Criteria: Ambry Variant Classification Scheme 2023. Collection method: clinical testing. Allele origin: germline.
Comment: The p.L193P variant (also known as c.578T>C), located in coding exon 5 of the NF1 gene, results from a T to C substitution at nucleotide position 578. The leucine at codon 193 is replaced by proline, an amino acid with similar properties. This amino acid position is highly conserved in available vertebrate species. In addition, this alteration is predicted to be deleterious by in silico analysis. Based on the available evidence, the clinical significance of this variant remains unclear.

Labcorp Genetics (formerly Invitae), Labcorp
Classification: Uncertain significance for Neurofibromatosis, type 1. Last evaluated: 2024-10-18. Review status: criteria provided, single submitter. Criteria: Invitae Variant Classification Sherloc (09022015). Collection method: clinical testing. Allele origin: germline.
Comment: This sequence change replaces leucine, which is neutral and non-polar, with proline, which is neutral and non-polar, at codon 193 of the NF1 protein (p.Leu193Pro). This variant is not present in population databases (gnomAD no frequency). This variant has not been reported in the literature in individuals affected with NF1-related conditions. Invitae Evidence Modeling of protein sequence and biophysical properties (such as structural, functional, and spatial information, amino acid conservation, physicochemical variation, residue mobility, and thermodynamic stability) indicates that this missense variant is expected to disrupt NF1 protein function with a positive predictive value of 95%. In summary, the available evidence is currently insufficient to determine the role of this variant in disease. Therefore, it has been classified as a Variant of Uncertain Significance.

NM_001042492.3(NF1):c.578T>C (p.Leu193Pro)

Gene: NF1 (neurofibromin 1; plus strand). Cytogenetic location: 17q11.2.
Variant type: single nucleotide variant.
Coding change: c.578T>C on transcript NM_001042492.3 (MANE Select); coding-DNA position 578, T replaced by C.
Protein change: p.Leu193Pro; replaces leucine 193 with proline.
Molecular consequence: missense variant.
Genome position (GRCh38, 1-based): chr17:31,169,989, T>C. VCF-style: chr17-31169989-T-C. GRCh37 (hg19) VCF-style: chr17-29497007-T-C.
Other names: c.578T>C, p.Leu193Pro (NM_000267.4, NM_001128147.3); short protein forms L193P.
Identifiers: ClinVar variation 3634484 (VCV003634484.3).
Genomic context (GRCh38, chr17:31,169,989, plus strand): 5'-ATGTTCATGATATAGAATTGTTACAGTATATCAATGTGGATTGTGCAAAATTAAAACGAC[T>C]CCTGAAGGGTAAGTTTAAATGTATAATATATCTGAAAAAAATCACTGGGTCAAAAACTAG-3'
Protein context (NP_001035957.1, residues 183-203): INVDCAKLKR[Leu193Pro]LKETAFKFKA